The following is an entry in ClinVar:

NM_013339.4(ALG6):c.1072_1076del (p.Val358fs)

Gene: ALG6 (ALG6 alpha-1,3-glucosyltransferase; plus strand). Cytogenetic location: 1p31.3.
Variant type: Deletion.
Coding change: c.1072_1076del on transcript NM_013339.4 (MANE Select); coding-DNA positions 1072 to 1076, 5 bases deleted (GTTTT; older notation c.1072_1076delGTTTT).
Protein change: p.Val358fs; shifts the reading frame from valine 358.
Molecular consequence: frameshift variant.
Genome position (GRCh38, 1-based): chr1:63,428,746-63,428,750, GTTTT deleted. VCF-style (leftmost placement, unchanged base first): chr1-63428745-AGTTTT-A. GRCh37 (hg19) VCF-style: chr1-63894416-AGTTTT-A.
Other names: short protein forms V358fs.
Identifiers: ClinVar variation 2854979 (VCV002854979.4), dbSNP rs2523793326, ClinGen allele CA2739272601.

ClinVar aggregate classification (germline): Pathogenic (1 of 4 stars; one submission).

Conditions:
ALG6-congenital disorder of glycosylation 1C (CDG1C). Also called: Congenital disorder of glycosylation, type Ic; Congenital disorder of glycosylation type 1C; CDG Ic; CARBOHYDRATE-DEFICIENT GLYCOPROTEIN SYNDROME, TYPE I, WITH DEFICIENT GLYCOSYLATION OF DOLICHOL-LINKED OLIGOSACCHARIDE; CARBOHYDRATE-DEFICIENT GLYCOPROTEIN SYNDROME, TYPE V. Identifiers: Orphanet 79320, MedGen C2930997, MONDO:0011291, OMIM 603147.

Submission:

Labcorp Genetics (formerly Invitae), Labcorp
Classification: Pathogenic for ALG6-congenital disorder of glycosylation 1C. Last evaluated: 2023-04-11. Review status: criteria provided, single submitter. Criteria: Invitae Variant Classification Sherloc (09022015). Collection method: clinical testing. Allele origin: germline.
Comment: For these reasons, this variant has been classified as Pathogenic. Algorithms developed to predict the effect of sequence changes on RNA splicing suggest that this variant may create or strengthen a splice site. This variant has not been reported in the literature in individuals affected with ALG6-related conditions. This variant is not present in population databases (gnomAD no frequency). This sequence change creates a premature translational stop signal (p.Val358Lysfs*2) in the ALG6 gene. It is expected to result in an absent or disrupted protein product. Loss-of-function variants in ALG6 are known to be pathogenic (PMID: 19862844).

Literature cited by the submitters: PubMed 19862844.